The following is an entry in ClinVar:

ClinVar aggregate classification (germline): Benign. Review status: criteria provided, multiple submitters, no conflicts (2 of 4 stars). 2 submissions from 2 submitters: Benign (2). Last evaluated 2018-01-13.

Conditions:
Peroxisome biogenesis disorder 5A (Zellweger) (PBD5A). Identifiers: Orphanet 912, MedGen C3553940, MONDO:0013932, OMIM 614866.

Allele frequency attached by ClinVar (database versions not stated): gnomAD 0.94963 and 0.95146; 1000 Genomes Project 30x 0.95144; TOPMed 0.95379; 1000 Genomes Project 0.95427; gnomAD exomes 1.00000.
gnomAD v4.1: 144,969 of 152,294 alleles (95%); highest among the groups gnomAD compares: East Asian, 99%; 69,148 homozygotes.

Submissions (2):

Illumina Laboratory Services, Illumina
Classification: Benign for Peroxisome biogenesis disorder 5A (Zellweger). Last evaluated: 2018-01-13. Review status: criteria provided, single submitter. Criteria: ICSL Variant Classification Criteria 13 December 2019. Collection method: clinical testing. Allele origin: germline.
Comment: This variant was observed in the ICSL laboratory as part of a predisposition screen in an ostensibly healthy population. It had not been previously curated by ICSL or reported in the Human Gene Mutation Database (HGMD: prior to June 1st, 2018), and was therefore a candidate for classification through an automated scoring system. Utilizing variant allele frequency, disease prevalence and penetrance estimates, and inheritance mode, an automated score was calculated to assess if this variant is too frequent to cause the disease. Based on the score and internal cut-off values, a variant classified as benign is not then subjected to further curation. The score for this variant resulted in a classification of benign for this disease.

Breakthrough Genomics
Classification: Benign. Review status: criteria provided, single submitter. Criteria: ACMG Guidelines, 2015. Collection method: not provided. Allele origin: germline. Inheritance: Autosomal recessive inheritance. Affected: yes.

NM_000318.3(PEX2):c.*2377A>G

Gene: PEX2 (peroxisomal biogenesis factor 2; minus strand). Cytogenetic location: 8q21.13.
Variant type: single nucleotide variant.
Coding change: c.*2377A>G on transcript NM_000318.3 (MANE Select); 2377 bases downstream of the stop codon, A replaced by G.
Molecular consequence: 3 prime UTR variant.
Genome position (GRCh38, 1-based): chr8:76,980,884, T>C on the plus strand (A>G on the coding strand, the complement: PEX2 is on the minus strand). VCF-style: chr8-76980884-T-C. GRCh37 (hg19) VCF-style: chr8-77893120-T-C.
Other names: c.*2377A>G (NM_001079867.2, NM_001172086.2, NM_001172087.2).
Identifiers: ClinVar variation 363777 (VCV000363777.6), dbSNP rs4388434, ClinGen allele CA10625830.
Genomic context (GRCh38, chr8:76,980,884, plus strand): 5'-GCTTTATATACACTAAACATGTAATCCTTACAATGAACAGATGTGCAGAGATGTGGCACA[T>C]TGCCCTAGGTTATACACAAGTGGGATTTGAATTCTAGCGGAATCTGTGTCCCTCATGCCA-3'